The following is an entry in ClinVar:

ClinVar aggregate classification (germline): Uncertain significance (1 of 4 stars; one submission).

Conditions:
Marfan syndrome (MFS). Also called: MARFAN SYNDROME, TYPE I; Marfan syndrome type 1; Marfan's syndrome; FBN1-Related Marfan Syndrome; Marfan syndrome, classic. Identifiers: Orphanet 284963, Orphanet 558, MedGen C0024796, MONDO:0007947, OMIM 154700.

gnomAD v4.1: 1 of 1,614,058 alleles (0.000062%); highest among the groups gnomAD compares: Non-Finnish European, 0.000085%; no homozygotes.

Submission:

All of Us Research Program, National Institutes of Health
Classification: Uncertain significance for Marfan syndrome. Last evaluated: 2024-04-16. Review status: criteria provided, single submitter. Criteria: ACMG Guidelines, 2015. Collection method: clinical testing. Allele origin: germline. Inheritance: Autosomal dominant inheritance. Observed: 1 variant allele, 1 heterozygote.
Comment: This missense variant replaces glycine with glutamic acid at codon 2300 of the FBN1 protein. Computational prediction is inconclusive regarding the impact of this variant on protein structure and function (internally defined REVEL score threshold 0.5 < inconclusive < 0.7, PMID: 27666373). To our knowledge, functional studies have not been reported for this variant. This variant has not been reported in individuals affected with FBN1-related disorders in the literature. This variant has not been identified in the general population by the Genome Aggregation Database (gnomAD). The available evidence is insufficient to determine the role of this variant in disease conclusively. Therefore, this variant is classified as a Variant of Uncertain Significance.

This study involves interpretation of variants in research participants for the purpose of population health screening. Participant phenotype was not available at the time of variant classification. Additional details can be found in publication PMID: 35346344, PMCID: PMC8962531

NM_000138.5(FBN1):c.6899G>A (p.Gly2300Glu)

Gene: FBN1 (fibrillin 1; minus strand). Cytogenetic location: 15q21.1.
Variant type: single nucleotide variant.
Coding change: c.6899G>A on transcript NM_000138.5 (MANE Select); coding-DNA position 6899, G replaced by A.
Protein change: p.Gly2300Glu; replaces glycine 2300 with glutamic acid.
Molecular consequence: missense variant.
Genome position (GRCh38, 1-based): chr15:48,428,444, C>T on the plus strand (G>A on the coding strand, the complement: FBN1 is on the minus strand). VCF-style: chr15-48428444-C-T. GRCh37 (hg19) VCF-style: chr15-48720641-C-T.
Other names: c.6899G>A, p.Gly2300Glu (NM_001406716.1); short protein forms G2300E.
Identifiers: ClinVar variation 3386765 (VCV003386765.1).